The following is an entry in ClinVar:

ClinVar aggregate classification (germline): Pathogenic (1 of 4 stars; one submission).

Conditions:
Aortic aneurysm, familial thoracic 7 (AAT7). Also called: AORTIC DISSECTION, FAMILIAL, WITH OR WITHOUT AORTIC ANEURYSM. Identifiers: MedGen C3151077, MONDO:0013418, OMIM 613780.

Submission:

Labcorp Genetics (formerly Invitae), Labcorp
Classification: Pathogenic for Aortic aneurysm, familial thoracic 7. Last evaluated: 2022-08-14. Review status: criteria provided, single submitter. Criteria: Invitae Variant Classification Sherloc (09022015). Collection method: clinical testing. Allele origin: germline.
Comment: For these reasons, this variant has been classified as Pathogenic. This variant has not been reported in the literature in individuals affected with MYLK-related conditions. This variant is not present in population databases (gnomAD no frequency). This sequence change creates a premature translational stop signal (p.Ser1293Glufs*17) in the MYLK gene. This variant occurs within the aortic-specific isoform of MYLK. Loss-of-function variants in the aortic-specific isoform of MYLK are known to be pathogenic for thoracic aortic dissections (PMID: 21055718).

Literature cited by the submitters: PubMed 21055718.

NM_053025.4(MYLK):c.3876_3937del (p.Ser1293fs)

Gene: MYLK (myosin light chain kinase; minus strand). Cytogenetic location: 3q21.1.
Variant type: Deletion.
Coding change: c.3876_3937del on transcript NM_053025.4 (MANE Select); coding-DNA positions 3876 to 3937, 62 bases deleted.
Protein change: p.Ser1293fs; shifts the reading frame from serine 1293.
Molecular consequence: frameshift variant.
Genome position (GRCh38, 1-based): chr3:123,664,153-123,664,214, 62 bases deleted. GRCh37 (hg19): chr3:123,383,003-123,383,064.
Other names: c.3348_3409del, p.Ser1117fs (NM_001321309.2); c.3669_3730del, p.Ser1224fs (NM_053026.4, NM_053028.4); c.3876_3937del, p.Ser1293fs (NM_053027.4); short protein forms S1224fs, S1293fs, S1117fs.
Identifiers: ClinVar variation 2024190 (VCV002024190.4), dbSNP rs2473640876, ClinGen allele CA2580068658.